The following is an entry in ClinVar:

ClinVar aggregate classification (germline): Conflicting classifications of pathogenicity. Review status: criteria provided, conflicting classifications (1 of 4 stars). 3 submissions from 3 submitters: Uncertain significance (2); Likely benign (1). Last evaluated 2026-05-01.

Allele frequency attached by ClinVar (database versions not stated): ExAC 0.00007; ESP Exome Variant Server 0.00008; TOPMed 0.00011; gnomAD 0.00013; gnomAD exomes 0.00023.
gnomAD v4.1: 369 of 1,613,974 alleles (0.023%); highest among the groups gnomAD compares: Non-Finnish European, 0.029%; no homozygotes.

Submissions (3):

CeGaT Center for Human Genetics Tuebingen
Classification: Likely benign. Last evaluated: 2026-05-01. Review status: criteria provided, single submitter. Criteria: CeGaT Center For Human Genetics Tuebingen Variant Classification Criteria Version 2. Collection method: clinical testing. Allele origin: germline. Affected: yes. Observed: 1 variant allele.
Comment: IGSF10: BP4

Ambry Genetics
Classification: Uncertain significance. Last evaluated: 2024-04-22. Review status: criteria provided, single submitter. Criteria: Ambry Variant Classification Scheme 2023. Collection method: clinical testing. Allele origin: germline.

Labcorp Genetics (formerly Invitae), Labcorp
Classification: Uncertain significance. Last evaluated: 2022-04-30. Review status: criteria provided, single submitter. Criteria: Invitae Variant Classification Sherloc (09022015). Collection method: clinical testing. Allele origin: germline.
Comment: In summary, the available evidence is currently insufficient to determine the role of this variant in disease. Therefore, it has been classified as a Variant of Uncertain Significance. Algorithms developed to predict the effect of missense changes on protein structure and function output the following: SIFT: "Tolerated"; PolyPhen-2: "Benign"; Align-GVGD: "Class C0". The valine amino acid residue is found in multiple mammalian species, which suggests that this missense change does not adversely affect protein function. This variant has not been reported in the literature in individuals affected with IGSF10-related conditions. This variant is present in population databases (rs199527565, gnomAD 0.01%). This sequence change replaces alanine, which is neutral and non-polar, with valine, which is neutral and non-polar, at codon 16 of the IGSF10 protein (p.Ala16Val).

NM_178822.5(IGSF10):c.47C>T (p.Ala16Val)

Gene: IGSF10 (immunoglobulin superfamily member 10; minus strand). Cytogenetic location: 3q25.1.
Variant type: single nucleotide variant.
Coding change: c.47C>T on transcript NM_178822.5 (MANE Select); coding-DNA position 47, C replaced by T.
Protein change: p.Ala16Val; replaces alanine 16 with valine.
Molecular consequence: missense variant.
Genome position (GRCh38, 1-based): chr3:151,458,663, G>A on the plus strand (C>T on the coding strand, the complement: IGSF10 is on the minus strand). VCF-style: chr3-151458663-G-A. GRCh37 (hg19) VCF-style: chr3-151176451-G-A.
Other names: c.47C>T, p.Ala16Val (NM_001385060.1, NM_001385061.1, NM_001385062.1 and 1 more transcripts); short protein forms A16V.
Identifiers: ClinVar variation 2081030 (VCV002081030.8), dbSNP rs199527565, ClinGen allele CA2670901.